The following is an entry in ClinVar:

ClinVar aggregate classification (germline): Benign (0 of 4 stars; one submission).

Conditions:
SPAG17-related disorder. Also called: SPAG17-related condition.

Allele frequency attached by ClinVar (database versions not stated): ESP Exome Variant Server 0.06366; TOPMed 0.07272; gnomAD 0.07285; ExAC 0.08548; 1000 Genomes Project 30x 0.12820; 1000 Genomes Project 0.13179.
gnomAD v4.1: 105,841 of 1,575,026 alleles (6.7%); highest among the groups gnomAD compares: East Asian, 23%; 4,837 homozygotes.

Submission:

PreventionGenetics, part of Exact Sciences
Classification: Benign for SPAG17-related condition. Last evaluated: 2019-03-01. Review status: no assertion criteria provided. Collection method: clinical testing. Allele origin: germline.
Comment: This variant is classified as benign based on ACMG/AMP sequence variant interpretation guidelines (Richards et al. 2015 PMID: 25741868, with internal and published modifications).

NM_206996.4(SPAG17):c.1392C>T (p.Pro464=)

Gene: SPAG17 (sperm associated antigen 17; minus strand). Cytogenetic location: 1p12.
Variant type: single nucleotide variant.
Coding change: c.1392C>T on transcript NM_206996.4 (MANE Select); coding-DNA position 1392, C replaced by T.
Protein change: p.Pro464=; no amino-acid change (proline 464 retained).
Molecular consequence: synonymous variant.
Genome position (GRCh38, 1-based): chr1:118,086,976, G>A on the plus strand (C>T on the coding strand, the complement: SPAG17 is on the minus strand). VCF-style: chr1-118086976-G-A. GRCh37 (hg19) VCF-style: chr1-118629599-G-A.
Identifiers: ClinVar variation 3060343 (VCV003060343.2), dbSNP rs12142616, ClinGen allele CA1034314.